The following is an entry in ClinVar:

ClinVar aggregate classification (germline): Uncertain significance (1 of 4 stars; one submission).

gnomAD v4.1: 1 of 1,226,608 alleles (0.000082%); highest among the groups gnomAD compares: Non-Finnish European, 0.0001%; no homozygotes.

Submission:

Labcorp Genetics (formerly Invitae), Labcorp
Classification: Uncertain significance. Last evaluated: 2024-12-03. Review status: criteria provided, single submitter. Criteria: Invitae Variant Classification Sherloc (09022015). Collection method: clinical testing. Allele origin: germline.
Comment: This sequence change replaces proline, which is neutral and non-polar, with serine, which is neutral and polar, at codon 30 of the MATN3 protein (p.Pro30Ser). This variant is not present in population databases (gnomAD no frequency). This variant has not been reported in the literature in individuals affected with MATN3-related conditions. An algorithm developed to predict the effect of missense changes on protein structure and function outputs the following: PolyPhen-2: "Not Available". The serine amino acid residue is found in multiple mammalian species, which suggests that this missense change does not adversely affect protein function. In summary, the available evidence is currently insufficient to determine the role of this variant in disease. Therefore, it has been classified as a Variant of Uncertain Significance.

NM_002381.5(MATN3):c.88C>T (p.Pro30Ser)

Gene: MATN3 (matrilin 3; minus strand). Cytogenetic location: 2p24.1.
Variant type: single nucleotide variant.
Coding change: c.88C>T on transcript NM_002381.5 (MANE Select); coding-DNA position 88, C replaced by T.
Protein change: p.Pro30Ser; replaces proline 30 with serine.
Molecular consequence: missense variant.
Genome position (GRCh38, 1-based): chr2:20,012,544, G>A on the plus strand (C>T on the coding strand, the complement: MATN3 is on the minus strand). VCF-style: chr2-20012544-G-A. GRCh37 (hg19) VCF-style: chr2-20212305-G-A.
Other names: short protein forms P30S.
Identifiers: ClinVar variation 3624119 (VCV003624119.2).